The following is an entry in ClinVar:

NM_016247.4(IMPG2):c.654G>C (p.Arg218Ser)

Gene: IMPG2 (interphotoreceptor matrix proteoglycan 2; minus strand). Cytogenetic location: 3q12.3.
Variant type: single nucleotide variant.
Coding change: c.654G>C on transcript NM_016247.4 (MANE Select); coding-DNA position 654, G replaced by C.
Protein change: p.Arg218Ser; replaces arginine 218 with serine.
Molecular consequence: missense variant.
Genome position (GRCh38, 1-based): chr3:101,275,675, C>G on the plus strand (G>C on the coding strand, the complement: IMPG2 is on the minus strand). VCF-style: chr3-101275675-C-G. GRCh37 (hg19) VCF-style: chr3-100994519-C-G.
Other names: short protein forms R218S.
Identifiers: ClinVar variation 954798 (VCV000954798.8), dbSNP rs752071608, ClinGen allele CA2519419.

ClinVar aggregate classification (germline): Uncertain significance. Review status: criteria provided, multiple submitters, no conflicts (2 of 4 stars). 2 submissions from 2 submitters: Uncertain significance (2). Last evaluated 2025-08-27.

Conditions:
Inborn genetic diseases. Identifiers: MedGen C0950123, MeSH D030342.

Allele frequency attached by ClinVar (database versions not stated): TOPMed 0.00002.
gnomAD v4.1: 3 of 1,612,194 alleles (0.00019%); highest among the groups gnomAD compares: Admixed American, 0.0017%; no homozygotes.

Submissions (2):

Ambry Genetics
Classification: Uncertain significance for Inborn genetic diseases. Last evaluated: 2025-08-27. Review status: criteria provided, single submitter. Criteria: Ambry Variant Classification Scheme 2023. Collection method: clinical testing. Allele origin: germline.

Labcorp Genetics (formerly Invitae), Labcorp
Classification: Uncertain significance. Last evaluated: 2024-10-25. Review status: criteria provided, single submitter. Criteria: Invitae Variant Classification Sherloc (09022015). Collection method: clinical testing. Allele origin: germline.
Comment: This sequence change replaces arginine, which is basic and polar, with serine, which is neutral and polar, at codon 218 of the IMPG2 protein (p.Arg218Ser). This variant is present in population databases (rs752071608, gnomAD 0.007%). This variant has not been reported in the literature in individuals affected with IMPG2-related conditions. ClinVar contains an entry for this variant (Variation ID: 954798). Invitae Evidence Modeling of protein sequence and biophysical properties (such as structural, functional, and spatial information, amino acid conservation, physicochemical variation, residue mobility, and thermodynamic stability) indicates that this missense variant is not expected to disrupt IMPG2 protein function with a negative predictive value of 80%. In summary, the available evidence is currently insufficient to determine the role of this variant in disease. Therefore, it has been classified as a Variant of Uncertain Significance.